The following is an entry in ClinVar:

ClinVar aggregate classification (germline): Pathogenic/Likely pathogenic. Review status: criteria provided, multiple submitters, no conflicts (2 of 4 stars). 9 submissions from 9 submitters: Pathogenic (7); Likely pathogenic (2). Last evaluated 2025-11-08.

Conditions:
ADAR-related disorder. Also called: ADAR-related condition; ADAR-related disorders.
Aicardi-Goutieres syndrome 6 (AGS6). Identifiers: Orphanet 51, MedGen C3539013, MONDO:0014007, OMIM 615010.
ADAR-related type 1 interferonopathy. Identifiers: MedGen CN377547, MONDO:0700261.
Inborn genetic diseases. Identifiers: MedGen C0950123, MeSH D030342.
Symmetrical dyschromatosis of extremities (DSH). Also called: RETICULATE ACROPIGMENTATION OF DOHI; Dyschromatosis symmetrica hereditaria; DYSCHROMATOSIS SYMMETRICA HEREDITARIA 1; SYMMETRIC DYSCHROMATOSIS OF THE EXTREMITIES. Identifiers: Orphanet 41, MedGen C0406775, MONDO:0007483, OMIM 127400.

Allele frequency attached by ClinVar (database versions not stated): ExAC 0.00001; gnomAD 0.00001; gnomAD exomes 0.00001; TOPMed 0.00002.

Submissions (9):

Labcorp Genetics (formerly Invitae), Labcorp
Classification: Pathogenic for Aicardi-Goutieres syndrome 6; Symmetrical dyschromatosis of extremities. Last evaluated: 2025-11-08. Review status: criteria provided, single submitter. Criteria: Invitae Variant Classification Sherloc (09022015). Collection method: clinical testing. Allele origin: germline.
Comment: This sequence change creates a premature translational stop signal (p.Ala813Glnfs*29) in the ADAR gene. It is expected to result in an absent or disrupted protein product. Loss-of-function variants in ADAR are known to be pathogenic (PMID: 22974014). This variant is present in population databases (rs779357448, gnomAD 0.007%). This premature translational stop signal has been observed in individual(s) with dyschromatosis symmetrica hereditaria (PMID: 15146470, 25468572, 29185800). It has also been observed to segregate with disease in related individuals. ClinVar contains an entry for this variant (Variation ID: 521470). For these reasons, this variant has been classified as Pathogenic.

Variantyx, Inc.
Classification: Likely pathogenic for Aicardi-Goutieres syndrome 6. Last evaluated: 2025-07-09. Review status: criteria provided, single submitter. Criteria: Variantyx Assertion Criteria 2022. Collection method: clinical testing. Allele origin: germline. Inheritance: Autosomal recessive inheritance. Affected: no.
Comment: This is a frameshift variant in the ADAR gene (OMIM: 146920). Pathogenic variants in this gene have been associated with autosomal recessive Aicardi-Goutieres syndrome 6. This variant introduces a premature termination codon in exon 7 out of 15 ad is expected to result in loss of function, which is a known disease mechanism for ADAR in this disorder (PMID: 22974014) (PVS1). This variant has a 0.0027% maximum allele frequency in non-founder control populations (PM2). It has been reported in the heterozygous state in at least 3 unrelated individuals affected with dyschromatosis symmetrica hereditaria (PMID: 32593192, 15146470, 25468572). Based on the current evidence, this variant is classified as likely pathogenic for autosomal recessive Aicardi-Goutieres syndrome 6.

Center for Genomic Medicine, Rigshospitalet, Copenhagen University Hospital
Classification: Likely pathogenic. Last evaluated: 2025-03-04. Review status: criteria provided, single submitter. Criteria: ACMG Guidelines, 2015. Collection method: clinical testing. Allele origin: germline.

3billion
Classification: Pathogenic for Aicardi-Goutieres syndrome 6. Last evaluated: 2024-11-20. Review status: criteria provided, single submitter. Criteria: ACMG Guidelines, 2015. Collection method: clinical testing. Allele origin: germline. Affected: yes.
Comment: The variant is observed at an extremely low frequency in the gnomAD v4.1.0 dataset (total allele frequency: 0.001%). Predicted Consequence/Location: Frameshift: predicted to result in a loss or disruption of normal protein function through nonsense-mediated decay (NMD) or protein truncation. Multiple pathogenic variants are reported downstream of the variant. The variant has been reported at least twice as pathogenic with clinical assertions and evidence for the classification (ClinVar ID: VCV000521470 /PMID: 15146470). Therefore, this variant is classified as Pathogenic according to the recommendation of ACMG/AMP guideline.

GeneDx
Classification: Pathogenic. Last evaluated: 2023-12-29. Review status: criteria provided, single submitter. Criteria: GeneDx Variant Classification Process June 2021. Collection method: clinical testing. Allele origin: germline. Affected: yes.
Comment: Reported in individuals with DSH phenotype in published literature, and segregates with disease in many affected individuals from a single large family (PMID: 29185800, 15146470); Frameshift variant predicted to result in protein truncation or nonsense mediated decay in a gene for which loss of function is a known mechanism of disease; Not observed at significant frequency in large population cohorts (gnomAD); This variant is associated with the following publications: (PMID: 31589614, 29185800, 32593192, 25468572, 15146470, 31628766)

Department of Pathology and Laboratory Medicine, Sinai Health System
Classification: Pathogenic for ADAR-related type 1 interferonopathy. Last evaluated: 2023-09-20. Review status: criteria provided, single submitter. Criteria: ACMG Guidelines, 2015. Collection method: research. Allele origin: germline.

Genome-Nilou Lab
Classification: Pathogenic for Aicardi-Goutieres syndrome 6. Last evaluated: 2023-04-11. Review status: criteria provided, single submitter. Criteria: ACMG Guidelines, 2015. Collection method: clinical testing. Allele origin: germline. Affected: no.

Ambry Genetics
Classification: Pathogenic for Inborn genetic diseases. Last evaluated: 2022-05-10. Review status: criteria provided, single submitter. Criteria: Ambry Variant Classification Scheme 2023. Collection method: clinical testing. Allele origin: germline.
Comment: The c.2433_2434delAG (p.A813Qfs*29) alteration, located in exon 7 (coding exon 7) of the ADAR gene, consists of a deletion of 2 nucleotides from position 2433 to 2434, causing a translational frameshift with a predicted alternate stop codon after 29 amino acids. This alteration is expected to result in loss of function by premature protein truncation or nonsense-mediated mRNA decay. Based on data from gnomAD, this alteration has an overall frequency of <0.01% (3/282806) total alleles studied. The highest observed frequency was 0.01% (1/19950) of East Asian alleles. This alteration has been previously reported in individuals with autosomal dominant dyschromatosis symmetrica hereditaria (DSH) (Liu, 2021; Lee, 2014; Tang, 2018; Zhang, 2004). Based on the available evidence, this alteration is classified as pathogenic.

Blueprint Genetics
Classification: Pathogenic for ADAR-related disorders. Last evaluated: 2022-05-06. Review status: criteria provided, single submitter. Criteria: ACMG Guidelines, 2015. Collection method: clinical testing. Allele origin: germline. Affected: yes. Observed: 3 variant alleles.

Literature cited by the submitters: PubMed 22974014 (cited by 3 submitters); PubMed 15146470 (cited by 4 submitters); PubMed 25468572 (cited by 3 submitters); PubMed 29185800 (cited by 4 submitters); PubMed 32593192 (cited by Variantyx, Inc. and Ambry Genetics); PubMed 34073717 (cited by Center for Genomic Medicine, Rigshospitalet, Copenhagen University Hospital); PubMed 32258229 (cited by Center for Genomic Medicine, Rigshospitalet, Copenhagen University Hospital).

NM_001111.5(ADAR):c.2433_2434del (p.Ala813fs)

Gene: ADAR (adenosine deaminase RNA specific; minus strand). Cytogenetic location: 1q21.3.
Variant type: Deletion.
Coding change: c.2433_2434del on transcript NM_001111.5 (MANE Select); coding-DNA positions 2433 to 2434, 2 bases deleted (AG; older notation c.2433_2434delAG).
Protein change: p.Ala813fs; shifts the reading frame from alanine 813.
Molecular consequence: frameshift variant. On other transcripts: intron variant (3).
Genome position (GRCh38, 1-based): chr1:154,590,246-154,590,247, CT deleted on the plus strand (AG on the coding strand, the reverse complement: ADAR is on the minus strand). VCF-style (leftmost placement, unchanged base first): chr1-154590245-CCT-C. GRCh37 (hg19) VCF-style: chr1-154562721-CCT-C.
Other names: c.2433_2434del (NM_001111.4); c.1548_1549del, p.Ala518fs (NM_001025107.3, NM_001193495.2, NM_001365046.1 and 2 more transcripts); c.2460_2461del, p.Ala822fs (NM_001365045.1); c.1533+15_1533+16del (NM_001365049.1); c.2361+15_2361+16del (NM_015841.4); c.2418+15_2418+16del (NM_015840.4); c.2433_2434del, p.Ala813fs (LRG_1212t1); c.2433_2434delAG (NM_001111.5); short protein forms A822fs, A813fs, A518fs.
Identifiers: ClinVar variation 521470 (VCV000521470.18), dbSNP rs779357448, ClinGen allele CA1131296.